The following is an entry in ClinVar:

ClinVar aggregate classification (germline): Uncertain significance (1 of 4 stars; one submission).

Conditions:
Inborn genetic diseases. Identifiers: MedGen C0950123, MeSH D030342.

Submission:

Ambry Genetics
Classification: Uncertain significance for Inborn genetic diseases. Last evaluated: 2025-08-14. Review status: criteria provided, single submitter. Criteria: Ambry Variant Classification Scheme 2023. Collection method: clinical testing. Allele origin: germline.
Comment: The p.V158A variant (also known as c.473T>C), located in coding exon 5 of the ETV6 gene, results from a T to C substitution at nucleotide position 473. The valine at codon 158 is replaced by alanine, an amino acid with similar properties. This amino acid position is conserved. In addition, this alteration is predicted to be tolerated by in silico analysis. Based on the available evidence, the clinical significance of this variant remains unclear.

NM_001987.5(ETV6):c.473T>C (p.Val158Ala)

Gene: ETV6 (ETS variant transcription factor 6; plus strand). Cytogenetic location: 12p13.2.
Variant type: single nucleotide variant.
Coding change: c.473T>C on transcript NM_001987.5 (MANE Select); coding-DNA position 473, T replaced by C.
Protein change: p.Val158Ala; replaces valine 158 with alanine.
Molecular consequence: missense variant.
Genome position (GRCh38, 1-based): chr12:11,869,433, T>C. VCF-style: chr12-11869433-T-C. GRCh37 (hg19) VCF-style: chr12-12022367-T-C.
Other names: c.470T>C, p.Val157Ala (NM_001413913.1); c.446T>C, p.Val149Ala (NM_001413914.1); c.209T>C, p.Val70Ala (NM_001413915.1); c.473T>C, p.Val158Ala (NM_001413916.1, NM_001413917.1); short protein forms V157A, V149A, V158A, V70A.
Identifiers: ClinVar variation 4251478 (VCV004251478.1).